The following is an entry in ClinVar:

ClinVar aggregate classification (germline): Uncertain significance (1 of 4 stars; one submission).

Submission:

Labcorp Genetics (formerly Invitae), Labcorp
Classification: Uncertain significance. Last evaluated: 2024-02-24. Review status: criteria provided, single submitter. Criteria: Invitae Variant Classification Sherloc (09022015). Collection method: clinical testing. Allele origin: germline.
Comment: This sequence change replaces threonine, which is neutral and polar, with asparagine, which is neutral and polar, at codon 348 of the GUCY2C protein (p.Thr348Asn). This variant is not present in population databases (gnomAD no frequency). This variant has not been reported in the literature in individuals affected with GUCY2C-related conditions. ClinVar contains an entry for this variant (Variation ID: 2125949). Advanced modeling of protein sequence and biophysical properties (such as structural, functional, and spatial information, amino acid conservation, physicochemical variation, residue mobility, and thermodynamic stability) performed at Invitae indicates that this missense variant is not expected to disrupt GUCY2C protein function with a negative predictive value of 80%. In summary, the available evidence is currently insufficient to determine the role of this variant in disease. Therefore, it has been classified as a Variant of Uncertain Significance.

NM_004963.4(GUCY2C):c.1043C>A (p.Thr348Asn)

Genes: GUCY2C (guanylate cyclase 2C; minus strand), GUCY2C-AS1 (GUCY2C antisense RNA 1; plus strand). Cytogenetic location: 12p12.3.
Variant type: single nucleotide variant.
Coding change: c.1043C>A on transcript NM_004963.4 (MANE Select); coding-DNA position 1043, C replaced by A.
Protein change: p.Thr348Asn; replaces threonine 348 with asparagine.
Molecular consequence: missense variant.
Genome position (GRCh38, 1-based): chr12:14,674,666, G>T on the plus strand (C>A on the coding strand, the complement: GUCY2C is on the minus strand). VCF-style: chr12-14674666-G-T. GRCh37 (hg19) VCF-style: chr12-14827600-G-T.
Other names: short protein forms T348N.
Identifiers: ClinVar variation 2125949 (VCV002125949.4), dbSNP rs2497772829, ClinGen allele CA384001079.